The following is an entry in ClinVar:

NM_001161352.2(KCNMA1):c.1483T>C (p.Cys495Arg)

Gene: KCNMA1 (potassium calcium-activated channel subfamily M alpha 1; minus strand). Cytogenetic location: 10q22.3.
Variant type: single nucleotide variant.
Coding change: c.1483T>C on transcript NM_001161352.2 (MANE Select); coding-DNA position 1483, T replaced by C.
Protein change: p.Cys495Arg; replaces cysteine 495 with arginine.
Molecular consequence: missense variant.
Genome position (GRCh38, 1-based): chr10:77,084,677, A>G on the plus strand (T>C on the coding strand, the complement: KCNMA1 is on the minus strand). VCF-style: chr10-77084677-A-G. GRCh37 (hg19) VCF-style: chr10-78844435-A-G.
Other names: c.1483T>C, p.Cys495Arg (NM_001014797.3, NM_001161353.2, NM_001271519.2 and 8 more transcripts); c.1321T>C, p.Cys441Arg (NM_001271518.2); c.943T>C, p.Cys315Arg (NM_001322838.2); short protein forms C315R, C441R, C495R.
Identifiers: ClinVar variation 1804384 (VCV001804384.1), dbSNP rs201243440, ClinGen allele CA377406688.
Genomic context (GRCh38, chr10:77,084,677, plus strand): 5'-CGCAGCGCCCCAAGAGTTACCTCATGATATTCGAGGCATCCTCCGCATCCGGGTCAGCGC[A>G]GTACTTGTTGGCAAGGATCAGGCATGCATCTGCTGACTCTATCTAAGACACCGAAAGGAA-3'
Protein context (NP_001154824.1, residues 485-505): DACLILANKY[Cys495Arg]ADPDAEDASN

ClinVar aggregate classification (germline): Uncertain significance (1 of 4 stars; one submission).

Submission:

GeneDx
Classification: Uncertain significance. Last evaluated: 2022-06-14. Review status: criteria provided, single submitter. Criteria: GeneDx Variant Classification Process June 2021. Collection method: clinical testing. Allele origin: germline. Affected: yes.
Comment: Not observed at significant frequency in large population cohorts (gnomAD); In silico analysis supports that this missense variant has a deleterious effect on protein structure/function; Has not been previously published as pathogenic or benign to our knowledge